The following is an entry in ClinVar:

NM_007294.4(BRCA1):c.4233G>A (p.Met1411Ile)

Gene: BRCA1 (BRCA1 DNA repair associated; minus strand). Cytogenetic location: 17q21.31.
Variant type: single nucleotide variant.
Coding change: c.4233G>A on transcript NM_007294.4 (MANE Select); coding-DNA position 4233, G replaced by A.
Protein change: p.Met1411Ile; replaces methionine 1411 with isoleucine.
Molecular consequence: missense variant. On other transcripts: non-coding transcript variant (1).
Genome position (GRCh38, 1-based): chr17:43,082,528, C>T on the plus strand (G>A on the coding strand, the complement: BRCA1 is on the minus strand). VCF-style: chr17-43082528-C-T. GRCh37 (hg19) VCF-style: chr17-41234545-C-T.
Other names: c.4230G>A, p.Met1410Ile (NM_001407590.1, NM_001407591.1, NM_001407610.1 and 21 more transcripts); c.3969G>A, p.Met1323Ile (NM_001407921.1, NM_001407922.1, NM_001407923.1 and 7 more transcripts); c.4233G>A, p.Met1411Ile (NM_001407593.1, NM_001407594.1, NM_001407598.1 and 23 more transcripts); c.723G>A, p.Met241Ile (NM_001408476.1, NM_001408474.1); c.714G>A, p.Met238Ile (NM_001408478.1, NM_001408479.1, NM_001408480.1 and 6 more transcripts); c.711G>A, p.Met237Ile (NM_001408489.1, NM_001408490.1, NM_001408491.1 and 3 more transcripts); c.684G>A, p.Met228Ile (NM_001408494.1); c.681G>A, p.Met227Ile (NM_001408495.1); and 51 more; short protein forms M1411I, M308I, M1364I, M1299I, M1339I, M1368I, M1383I, M1410I.
Identifiers: ClinVar variation 628271 (VCV000628271.5), dbSNP rs1567783458, ClinGen allele CA10593255.

ClinVar aggregate classification (germline): Uncertain significance. Review status: criteria provided, multiple submitters, no conflicts (2 of 4 stars). 2 submissions from 2 submitters: Uncertain significance (2). Last evaluated 2023-10-17.

Conditions:
Hereditary cancer-predisposing syndrome. Also called: Neoplastic Syndromes, Hereditary; Tumor predisposition; Hereditary neoplastic syndrome; Hereditary Cancer Syndrome. Identifiers: Orphanet 140162, MedGen C0027672, MeSH D009386, MONDO:0015356.

Submissions (2):

Ambry Genetics
Classification: Uncertain significance for Hereditary cancer-predisposing syndrome. Last evaluated: 2023-10-17. Review status: criteria provided, single submitter. Criteria: Ambry Variant Classification Scheme 2023. Collection method: clinical testing. Allele origin: germline.
Comment: The p.M1411I variant (also known as c.4233G>A), located in coding exon 11 of the BRCA1 gene, results from a G to A substitution at nucleotide position 4233. The methionine at codon 1411 is replaced by isoleucine, an amino acid with highly similar properties. This amino acid position is highly conserved in available vertebrate species. In addition, the in silico prediction for this alteration is inconclusive. Since supporting evidence is limited at this time, the clinical significance of this alteration remains unclear.

Color Diagnostics, LLC DBA Color Health
Classification: Uncertain significance for Hereditary cancer-predisposing syndrome. Last evaluated: 2019-05-02. Review status: criteria provided, single submitter. Criteria: ACMG Guidelines, 2015. Collection method: clinical testing. Allele origin: germline.